The following is an entry in ClinVar:

ClinVar aggregate classification (germline): Uncertain significance (1 of 4 stars; one submission).

Submission:

Ambry Genetics
Classification: Uncertain significance. Last evaluated: 2025-07-17. Review status: criteria provided, single submitter. Criteria: Ambry Variant Classification Scheme 2023. Collection method: clinical testing. Allele origin: germline.
Comment: The p.G169V variant (also known as c.506G>T), located in coding exon 2 of the PALLD gene, results from a G to T substitution at nucleotide position 506. The glycine at codon 169 is replaced by valine, an amino acid with dissimilar properties. This amino acid position is conserved. In addition, the in silico prediction for this alteration is inconclusive. Based on the available evidence, the clinical significance of this variant remains unclear.

NM_001166108.2(PALLD):c.1967G>T (p.Gly656Val)

Gene: PALLD (palladin, cytoskeletal associated protein; plus strand). Cytogenetic location: 4q32.3.
Variant type: single nucleotide variant.
Coding change: c.1967G>T on transcript NM_001166108.2 (MANE Select); coding-DNA position 1967, G replaced by T.
Protein change: p.Gly656Val; replaces glycine 656 with valine.
Molecular consequence: missense variant. On other transcripts: 5 prime UTR variant (4).
Genome position (GRCh38, 1-based): chr4:168,890,924, G>T. VCF-style: chr4-168890924-G-T. GRCh37 (hg19) VCF-style: chr4-169812075-G-T.
Other names: c.821G>T, p.Gly274Val (NM_001166109.2); c.506G>T, p.Gly169Val (NM_001166110.2); c.-155G>T (NM_001367567.1, NM_001367568.1, NM_001367569.1 and 1 more transcripts); c.1967G>T, p.Gly656Val (NM_016081.4); short protein forms G656V, G169V, G274V.
Identifiers: ClinVar variation 4130410 (VCV004130410.1).